The following is an entry in ClinVar:

ClinVar aggregate classification (germline): Benign (1 of 4 stars; one submission).

Conditions:
Vitamin K-dependent clotting factors, combined deficiency of, type 2. Identifiers: Orphanet 98434, MedGen C1843832, MONDO:0011837, OMIM 607473.

Allele frequency attached by ClinVar (database versions not stated): 1000 Genomes Project 30x 0.00125; gnomAD 0.00015 and 0.00021; gnomAD exomes 0.00015; TOPMed 0.00031; 1000 Genomes Project 0.00120.
gnomAD v4.1: 250 of 1,614,134 alleles (0.015%); highest among the groups gnomAD compares: East Asian, 0.51%; no homozygotes.

Submission:

Illumina Laboratory Services, Illumina
Classification: Benign for Vitamin K-dependent clotting factors, combined deficiency of, type 2. Last evaluated: 2017-04-27. Review status: criteria provided, single submitter. Criteria: ICSL Variant Classification Criteria 13 December 2019. Collection method: clinical testing. Allele origin: germline.
Comment: This variant was observed as part of a predisposition screen in an ostensibly healthy population. A literature search was performed for the gene, cDNA change, and amino acid change (where applicable). Publications were found based on this search. The evidence from the literature, in combination with allele frequency data from public databases where available, was sufficient to rule this variant out of causing disease. Therefore, this variant is classified as benign.

Literature cited by the submitters: PubMed 17189218; PubMed 16890578.

NM_024006.6(VKORC1):c.203A>G (p.His68Arg)

Gene: VKORC1 (vitamin K epoxide reductase complex subunit 1; minus strand). Cytogenetic location: 16p11.2.
Variant type: single nucleotide variant.
Coding change: c.203A>G on transcript NM_024006.6 (MANE Select); coding-DNA position 203, A replaced by G.
Protein change: p.His68Arg; replaces histidine 68 with arginine.
Molecular consequence: missense variant. On other transcripts: intron variant (1).
Genome position (GRCh38, 1-based): chr16:31,093,392, T>C on the plus strand (A>G on the coding strand, the complement: VKORC1 is on the minus strand). VCF-style: chr16-31093392-T-C. GRCh37 (hg19) VCF-style: chr16-31104713-T-C.
Other names: c.203A>G, p.His68Arg (NM_001311311.2); c.173+1165A>G (NM_206824.3); short protein forms H68R.
Identifiers: ClinVar variation 887600 (VCV000887600.4), dbSNP rs201044348, ClinGen allele CA8021194.
Genomic context (GRCh38, chr16:31,093,392, plus strand): 5'-TAGAAGATGCAACCGAATATGCTGTTGGATTGATTGAGGATGCTGTCCTGTCCCAGCACA[T>C]GCTCCACCAGCCCGAAACCCCTGCCCCACCTGGCAGAGGGGTGGGGTGGGGTGGAACCAG-3'
Protein context (NP_076869.1, residues 58-78): RWGRGFGLVE[His68Arg]VLGQDSILNQ